The following is an entry in ClinVar:

NM_004656.4(BAP1):c.747G>A (p.Lys249=)

Gene: BAP1 (BRCA1 associated deubiquitinase 1; minus strand). Cytogenetic location: 3p21.1.
Variant type: single nucleotide variant.
Coding change: c.747G>A on transcript NM_004656.4 (MANE Select); coding-DNA position 747, G replaced by A.
Protein change: p.Lys249=; no amino-acid change (lysine 249 retained).
Molecular consequence: synonymous variant.
Genome position (GRCh38, 1-based): chr3:52,406,289, C>T on the plus strand (G>A on the coding strand, the complement: BAP1 is on the minus strand). VCF-style: chr3-52406289-C-T. GRCh37 (hg19) VCF-style: chr3-52440305-C-T.
Identifiers: ClinVar variation 707283 (VCV000707283.13), dbSNP rs1553645603, ClinGen allele CA433776228.

ClinVar aggregate classification (germline): Benign/Likely benign. Review status: criteria provided, multiple submitters, no conflicts (2 of 4 stars). 3 submissions from 3 submitters: Benign (1); Likely benign (2). Last evaluated 2026-01-18.

Conditions:
Hereditary cancer-predisposing syndrome. Also called: Neoplastic Syndromes, Hereditary; Hereditary Cancer Syndrome; Tumor predisposition; Hereditary neoplastic syndrome. Identifiers: Orphanet 140162, MedGen C0027672, MeSH D009386, MONDO:0015356.
BAP1-related tumor predisposition syndrome (TPDS1). Also called: Tumor susceptibility linked to germline BAP1 mutations; COMMON Syndrome; TUMOR PREDISPOSITION SYNDROME 1; BAP1 tumor predisposition syndrome. Identifiers: Orphanet 289539, MedGen C3280492, MONDO:0013692, OMIM 614327.

Allele frequency attached by ClinVar (database versions not stated): TOPMed below 0.00001.
gnomAD v4.1: 2 of 1,614,204 alleles (0.00012%); highest among the groups gnomAD compares: Non-Finnish European, 0.00017%; no homozygotes.

Submissions (3):

Labcorp Genetics (formerly Invitae), Labcorp
Classification: Likely benign for BAP1-related tumor predisposition syndrome. Last evaluated: 2026-01-18. Review status: criteria provided, single submitter. Criteria: Invitae Variant Classification Sherloc (09022015). Collection method: clinical testing. Allele origin: germline.

Myriad Genetics, Inc.
Classification: Benign for BAP1-related tumor predisposition syndrome. Last evaluated: 2024-07-15. Review status: criteria provided, single submitter. Criteria: Myriad Autosomal Dominant, Autosomal Recessive and X-Linked Classification Criteria (2023). Collection method: clinical testing. Allele origin: unknown.
Comment: This variant is considered benign. This variant is a silent/synonymous amino acid change and it is not expected to impact splicing.

Ambry Genetics
Classification: Likely benign for Hereditary cancer-predisposing syndrome. Last evaluated: 2022-06-30. Review status: criteria provided, single submitter. Criteria: Ambry Variant Classification Scheme 2023. Collection method: clinical testing. Allele origin: germline.